The following is an entry in ClinVar:

ClinVar aggregate classification (germline): Uncertain significance (1 of 4 stars; one submission).

Conditions:
Primary ciliary dyskinesia. Also called: Ciliary dyskinesia. Identifiers: Orphanet 244, MedGen C0008780, MONDO:0016575, HP:0012265.

Allele frequency attached by ClinVar (database versions not stated): gnomAD 0.00001.

Submission:

Ambry Genetics
Classification: Uncertain significance for Primary ciliary dyskinesia. Last evaluated: 2022-06-12. Review status: criteria provided, single submitter. Criteria: Ambry Variant Classification Scheme 2023. Collection method: clinical testing. Allele origin: germline.
Comment: The p.Q462R variant (also known as c.1385A>G), located in coding exon 8 of the DNAAF1 gene, results from an A to G substitution at nucleotide position 1385. The glutamine at codon 462 is replaced by arginine, an amino acid with highly similar properties. This amino acid position is conserved. In addition, this alteration is predicted to be tolerated by in silico analysis. Since supporting evidence is limited at this time, the clinical significance of this alteration remains unclear.

NM_178452.6(DNAAF1):c.1385A>G (p.Gln462Arg)

Gene: DNAAF1 (dynein axonemal assembly factor 1; plus strand). Cytogenetic location: 16q24.1.
Variant type: single nucleotide variant.
Coding change: c.1385A>G on transcript NM_178452.6 (MANE Select); coding-DNA position 1385, A replaced by G.
Protein change: p.Gln462Arg; replaces glutamine 462 with arginine.
Molecular consequence: missense variant.
Genome position (GRCh38, 1-based): chr16:84,170,213, A>G. VCF-style: chr16-84170213-A-G. GRCh37 (hg19) VCF-style: chr16-84203819-A-G.
Other names: c.677A>G, p.Gln226Arg (NM_001318756.1); short protein forms Q462R, Q226R.
Identifiers: ClinVar variation 1771370 (VCV001771370.2), dbSNP rs754914584, ClinGen allele CA285523818.